The following is an entry in ClinVar:

ClinVar aggregate classification (germline): Uncertain significance (1 of 4 stars; one submission).

Conditions:
DICER1-related tumor predisposition. Also called: DICER1 syndrome; DICER1-related pleuropulmonary blastoma cancer predisposition syndrome. Identifiers: Orphanet 284343, MedGen C3839822, MONDO:0100216.

Submission:

Labcorp Genetics (formerly Invitae), Labcorp
Classification: Uncertain significance for DICER1-related tumor predisposition. Last evaluated: 2021-09-12. Review status: criteria provided, single submitter. Criteria: Invitae Variant Classification Sherloc (09022015). Collection method: clinical testing. Allele origin: germline.
Comment: In summary, the available evidence is currently insufficient to determine the role of this variant in disease. Therefore, it has been classified as a Variant of Uncertain Significance. This sequence change replaces alanine with serine at codon 207 of the DICER1 protein (p.Ala207Ser). The alanine residue is highly conserved and there is a moderate physicochemical difference between alanine and serine. This variant is not present in population databases (ExAC no frequency). This variant has not been reported in the literature in individuals affected with DICER1-related conditions. Algorithms developed to predict the effect of missense changes on protein structure and function (SIFT, PolyPhen-2, Align-GVGD) all suggest that this variant is likely to be tolerated.

NM_177438.3(DICER1):c.619G>T (p.Ala207Ser)

Gene: DICER1 (dicer 1, ribonuclease III; minus strand). Cytogenetic location: 14q32.13.
Variant type: single nucleotide variant.
Coding change: c.619G>T on transcript NM_177438.3 (MANE Select); coding-DNA position 619, G replaced by T.
Protein change: p.Ala207Ser; replaces alanine 207 with serine.
Molecular consequence: missense variant.
Genome position (GRCh38, 1-based): chr14:95,129,587, C>A on the plus strand (G>T on the coding strand, the complement: DICER1 is on the minus strand). VCF-style: chr14-95129587-C-A. GRCh37 (hg19) VCF-style: chr14-95595924-C-A.
Other names: c.619G>T, p.Ala207Ser (NM_001195573.1, NM_001271282.3, NM_001291628.2 and 1 more transcripts); short protein forms A207S.
Identifiers: ClinVar variation 1380795 (VCV001380795.7), dbSNP rs2140261084, ClinGen allele CA390888215.